The following is an entry in ClinVar:

ClinVar aggregate classification (germline): Uncertain significance. Review status: criteria provided, multiple submitters, no conflicts (2 of 4 stars). 2 submissions from 2 submitters: Uncertain significance (2). Last evaluated 2026-03-12.

Conditions:
Primary ciliary dyskinesia. Also called: Ciliary dyskinesia. Identifiers: Orphanet 244, MedGen C0008780, MONDO:0016575, HP:0012265.
Primary ciliary dyskinesia 3. Identifiers: Orphanet 244, MedGen C1837618, MONDO:0012085, OMIM 608644.

Allele frequency attached by ClinVar (database versions not stated): gnomAD exomes below 0.00001; TOPMed below 0.00001; ExAC 0.00001; gnomAD 0.00001; ESP Exome Variant Server 0.00008.
gnomAD v4.1: 1 of 1,614,052 alleles (0.000062%); highest among the groups gnomAD compares: Non-Finnish European, 0.000085%; no homozygotes.

Submissions (2):

Myriad Genetics, Inc.
Classification: Uncertain significance for Primary ciliary dyskinesia 3. Last evaluated: 2026-03-12. Review status: criteria provided, single submitter. Criteria: Myriad Autosomal Dominant, Autosomal Recessive and X-Linked Classification Criteria (2023). Collection method: clinical testing. Allele origin: unknown.
Comment: NM_001369.2(DNAH5):c.13227C>A(S4409R) is a missense variant classified as a variant of uncertain significance in the context of primary ciliary dyskinesia, DNAH5-related. S4409R has not been observed in cases with relevant disease. Relevant functional assessments of this variant are not available in the literature. S4409R has been observed in referenced population frequency databases. In summary, there is insufficient evidence to classify NM_001369.2(DNAH5):c.13227C>A(S4409R) as pathogenic or benign. Please note: this variant was assessed in the context of healthy population screening.

Labcorp Genetics (formerly Invitae), Labcorp
Classification: Uncertain significance for Primary ciliary dyskinesia. Last evaluated: 2021-08-26. Review status: criteria provided, single submitter. Criteria: Invitae Variant Classification Sherloc (09022015). Collection method: clinical testing. Allele origin: germline.
Comment: This sequence change replaces serine with arginine at codon 4409 of the DNAH5 protein (p.Ser4409Arg). The serine residue is moderately conserved and there is a moderate physicochemical difference between serine and arginine. This variant is present in population databases (rs139357559, ExAC 0.001%). This variant has not been reported in the literature in individuals affected with DNAH5-related conditions. Algorithms developed to predict the effect of missense changes on protein structure and function are either unavailable or do not agree on the potential impact of this missense change (SIFT: "Deleterious"; PolyPhen-2: "Benign"; Align-GVGD: "Class C0"). In summary, the available evidence is currently insufficient to determine the role of this variant in disease. Therefore, it has been classified as a Variant of Uncertain Significance.

NM_001369.3(DNAH5):c.13227C>A (p.Ser4409Arg)

Gene: DNAH5 (dynein axonemal heavy chain 5; minus strand). Cytogenetic location: 5p15.2.
Variant type: single nucleotide variant.
Coding change: c.13227C>A on transcript NM_001369.3 (MANE Select); coding-DNA position 13227, C replaced by A.
Protein change: p.Ser4409Arg; replaces serine 4409 with arginine.
Molecular consequence: missense variant.
Genome position (GRCh38, 1-based): chr5:13,708,234, G>T on the plus strand (C>A on the coding strand, the complement: DNAH5 is on the minus strand). VCF-style: chr5-13708234-G-T. GRCh37 (hg19) VCF-style: chr5-13708343-G-T.
Other names: short protein forms S4409R.
Identifiers: ClinVar variation 407211 (VCV000407211.8), dbSNP rs139357559, ClinGen allele CA3201417.